The following is an entry in ClinVar:

ClinVar aggregate classification (germline): Uncertain significance (1 of 4 stars; one submission).

gnomAD v4.1: 1 of 1,527,790 alleles (0.000065%); highest among the groups gnomAD compares: Non-Finnish European, 0.000087%; no homozygotes.

Submission:

GeneDx
Classification: Uncertain significance. Last evaluated: 2025-07-07. Review status: criteria provided, single submitter. Criteria: GeneDx Variant Classification Process June 2021. Collection method: clinical testing. Allele origin: germline. Affected: yes.
Comment: Not observed at significant frequency in large population cohorts (gnomAD); In silico analysis suggests that this missense variant does not alter protein structure/function; Has not been previously published as pathogenic or benign to our knowledge

NM_001377.3(DYNC2H1):c.5864T>C (p.Ile1955Thr)

Gene: DYNC2H1 (dynein cytoplasmic 2 heavy chain 1; plus strand). Cytogenetic location: 11q22.3.
Variant type: single nucleotide variant.
Coding change: c.5864T>C on transcript NM_001377.3 (MANE Select); coding-DNA position 5864, T replaced by C.
Protein change: p.Ile1955Thr; replaces isoleucine 1955 with threonine.
Molecular consequence: missense variant.
Genome position (GRCh38, 1-based): chr11:103,176,424, T>C. VCF-style: chr11-103176424-T-C. GRCh37 (hg19) VCF-style: chr11-103047153-T-C.
Other names: c.5864T>C, p.Ile1955Thr (NM_001080463.2); short protein forms I1955T.
Identifiers: ClinVar variation 4685278 (VCV004685278.1).